The following is an entry in ClinVar:

ClinVar aggregate classification (germline): Likely benign. Review status: criteria provided, single submitter (1 of 4 stars). 2 submissions from 2 submitters: Likely benign (1). 1 of the submissions does not count toward it. Last evaluated 2025-06-01.

Conditions:
RAI1-related disorder. Also called: RAI1-related condition.

Allele frequency attached by ClinVar (database versions not stated): ExAC 0.00001; gnomAD 0.00001.
gnomAD v4.1: 16 of 1,610,962 alleles (0.00099%); highest among the groups gnomAD compares: Non-Finnish European, 0.0011%; no homozygotes.

Submissions (2):

Labcorp Genetics (formerly Invitae), Labcorp
Classification: Likely benign. Last evaluated: 2025-06-01. Review status: criteria provided, single submitter. Criteria: Invitae Variant Classification Sherloc (09022015). Collection method: clinical testing. Allele origin: germline.

PreventionGenetics, part of Exact Sciences
Classification: Likely benign for RAI1-related condition. Last evaluated: 2021-06-27. Review status: no assertion criteria provided. Collection method: clinical testing. Allele origin: germline. Not counted in ClinVar's aggregate classification.
Comment: This variant is classified as likely benign based on ACMG/AMP sequence variant interpretation guidelines (Richards et al. 2015 PMID: 25741868, with internal and published modifications).

NM_030665.4(RAI1):c.2958C>T (p.Ile986=)

Gene: RAI1 (retinoic acid induced 1; plus strand). Cytogenetic location: 17p11.2.
Variant type: single nucleotide variant.
Coding change: c.2958C>T on transcript NM_030665.4 (MANE Select); coding-DNA position 2958, C replaced by T.
Protein change: p.Ile986=; no amino-acid change (isoleucine 986 retained).
Molecular consequence: synonymous variant.
Genome position (GRCh38, 1-based): chr17:17,795,906, C>T. VCF-style: chr17-17795906-C-T. GRCh37 (hg19) VCF-style: chr17-17699220-C-T.
Other names: c.2958C>T (NM_030665.3).
Identifiers: ClinVar variation 1933300 (VCV001933300.6), dbSNP rs769812406, ClinGen allele CA8418646.